The following is an entry in ClinVar:

NM_173660.5(DOK7):c.598G>A (p.Val200Ile)

Gene: DOK7 (docking protein 7; plus strand). Cytogenetic location: 4p16.3.
Variant type: single nucleotide variant.
Coding change: c.598G>A on transcript NM_173660.5 (MANE Select); coding-DNA position 598, G replaced by A.
Protein change: p.Val200Ile; replaces valine 200 with isoleucine.
Molecular consequence: missense variant. On other transcripts: 5 prime UTR variant (1).
Genome position (GRCh38, 1-based): chr4:3,485,604, G>A. VCF-style: chr4-3485604-G-A. GRCh37 (hg19) VCF-style: chr4-3487331-G-A.
Other names: c.587G>A, p.Arg196His (NM_001164673.2); c.-333G>A (NM_001256896.2); c.598G>A, p.Val200Ile (NM_001301071.2); c.166G>A, p.Val56Ile (NM_001363811.2); short protein forms R196H, V200I, V56I.
Identifiers: ClinVar variation 1503802 (VCV001503802.5), dbSNP rs1388192187, ClinGen allele CA356115021.

ClinVar aggregate classification (germline): Uncertain significance (1 of 4 stars; one submission).

Conditions:
Fetal akinesia deformation sequence 1 (FADS1). Also called: Fetal akinesia sequence; Pena-Shokeir syndrome type I. Identifiers: Orphanet 994, MedGen C1276035, MONDO:0100101, OMIM 208150, HP:0001989.
Congenital myasthenic syndrome 10. Also called: Myasthenia, limb-girdle, familial. Identifiers: Orphanet 590, MedGen C1850792, MONDO:0009690, OMIM 254300.

Allele frequency attached by ClinVar (database versions not stated): TOPMed below 0.00001; gnomAD 0.00001; gnomAD exomes 0.00001.
gnomAD v4.1: 8 of 1,608,098 alleles (0.0005%); highest among the groups gnomAD compares: East Asian, 0.0023%; no homozygotes.

Submission:

Labcorp Genetics (formerly Invitae), Labcorp
Classification: Uncertain significance for Congenital myasthenic syndrome 10; Fetal akinesia deformation sequence 1. Last evaluated: 2022-08-16. Review status: criteria provided, single submitter. Criteria: Invitae Variant Classification Sherloc (09022015). Collection method: clinical testing. Allele origin: germline.
Comment: This sequence change replaces valine, which is neutral and non-polar, with isoleucine, which is neutral and non-polar, at codon 200 of the DOK7 protein (p.Val200Ile). This variant is present in population databases (no rsID available, gnomAD 0.003%). This variant has not been reported in the literature in individuals affected with DOK7-related conditions. ClinVar contains an entry for this variant (Variation ID: 1503802). Algorithms developed to predict the effect of missense changes on protein structure and function are either unavailable or do not agree on the potential impact of this missense change (SIFT: "Deleterious"; PolyPhen-2: "Probably Damaging"; Align-GVGD: "Class C0"). In summary, the available evidence is currently insufficient to determine the role of this variant in disease. Therefore, it has been classified as a Variant of Uncertain Significance.